The following is an entry in ClinVar:

NM_032608.7(MYO18B):c.3443G>A (p.Gly1148Asp)

Gene: MYO18B (myosin XVIIIB; plus strand). Cytogenetic location: 22q12.1.
Variant type: single nucleotide variant.
Coding change: c.3443G>A on transcript NM_032608.7 (MANE Select); coding-DNA position 3443, G replaced by A.
Protein change: p.Gly1148Asp; replaces glycine 1148 with aspartic acid.
Molecular consequence: missense variant.
Genome position (GRCh38, 1-based): chr22:25,846,174, G>A. VCF-style: chr22-25846174-G-A. GRCh37 (hg19) VCF-style: chr22-26242141-G-A.
Other names: c.3446G>A, p.Gly1149Asp (NM_001318245.2); short protein forms G1148D, G1149D.
Identifiers: ClinVar variation 1927046 (VCV001927046.3), dbSNP rs747677489, ClinGen allele CA10160565.
Genomic context (GRCh38, chr22:25,846,174, plus strand): 5'-GTCTATTCCAGGCCCGGGCCAAGCTGCCTCCTGTGTGCCGGGCTGTGGCAGGCCTGGAGG[G>A]CACCTCCCAGCAGGCCCTGCAGAGGAGCCGCATGGTGAGGAGGACCTTTGCCAGCAGCCT-3'
Protein context (NP_115997.5, residues 1138-1158): PVCRAVAGLE[Gly1148Asp]TSQQALQRSR

ClinVar aggregate classification (germline): Uncertain significance (1 of 4 stars; one submission).

Allele frequency attached by ClinVar (database versions not stated): gnomAD exomes 0.00002; TOPMed 0.00002; gnomAD 0.00007; ExAC 0.00010.
gnomAD v4.1: 39 of 1,611,180 alleles (0.0024%); highest among the groups gnomAD compares: Non-Finnish European, 0.0025%; no homozygotes.

Submission:

Labcorp Genetics (formerly Invitae), Labcorp
Classification: Uncertain significance. Last evaluated: 2025-10-21. Review status: criteria provided, single submitter. Criteria: Invitae Variant Classification Sherloc (09022015). Collection method: clinical testing. Allele origin: germline.
Comment: This sequence change replaces glycine, which is neutral and non-polar, with aspartic acid, which is acidic and polar, at codon 1148 of the MYO18B protein (p.Gly1148Asp). This variant is present in population databases (rs747677489, gnomAD 0.02%). This variant has not been reported in the literature in individuals affected with MYO18B-related conditions. ClinVar contains an entry for this variant (Variation ID: 1927046). An algorithm developed to predict the effect of missense changes on protein structure and function (PolyPhen-2) suggests that this variant is likely to be disruptive. In summary, the available evidence is currently insufficient to determine the role of this variant in disease. Therefore, it has been classified as a Variant of Uncertain Significance.